The following is an entry in ClinVar:

NM_001378964.1(CDON):c.1099A>T (p.Ile367Phe)

Gene: CDON (cell adhesion associated, oncogene regulated; minus strand). Cytogenetic location: 11q24.2.
Variant type: single nucleotide variant.
Coding change: c.1099A>T on transcript NM_001378964.1 (MANE Select); coding-DNA position 1099, A replaced by T.
Protein change: p.Ile367Phe; replaces isoleucine 367 with phenylalanine.
Molecular consequence: missense variant.
Genome position (GRCh38, 1-based): chr11:126,015,340, T>A on the plus strand (A>T on the coding strand, the complement: CDON is on the minus strand). VCF-style: chr11-126015340-T-A. GRCh37 (hg19) VCF-style: chr11-125885235-T-A.
Other names: c.1099A>T, p.Ile367Phe (NM_001243597.3, NM_016952.6); short protein forms I367F.
Identifiers: ClinVar variation 1707905 (VCV001707905.2), dbSNP rs2497219070, ClinGen allele CA383210165.
Genomic context (GRCh38, chr11:126,015,340, plus strand): 5'-CAATCCCATTATCTGCTACACACTGATACATCCCAACATCTTCCACAGTAACCCCACTGA[T>A]TTTCAGTCCGTTTCCTGCAGTTAGATGTCGTGCAGAAGGATGAATAGGCTGTGCATTGTG-3'
Protein context (NP_001365893.1, residues 357-377): RHLTAGNGLK[Ile367Phe]SGVTVEDVGM

ClinVar aggregate classification (germline): Uncertain significance (1 of 4 stars; one submission).

Submission:

GeneDx
Classification: Uncertain significance. Last evaluated: 2022-03-31. Review status: criteria provided, single submitter. Criteria: GeneDx Variant Classification Process June 2021. Collection method: clinical testing. Allele origin: germline. Affected: yes.
Comment: Not observed at significant frequency in large population cohorts (gnomAD); In silico analysis supports that this missense variant has a deleterious effect on protein structure/function; Has not been previously published as pathogenic or benign to our knowledge